The following is an entry in ClinVar:

NM_000548.5(TSC2):c.1758G>A (p.Val586=)

Gene: TSC2 (TSC complex subunit 2; plus strand). Cytogenetic location: 16p13.3.
Variant type: single nucleotide variant.
Coding change: c.1758G>A on transcript NM_000548.5 (MANE Select); coding-DNA position 1758, G replaced by A.
Protein change: p.Val586=; no amino-acid change (valine 586 retained).
Molecular consequence: synonymous variant.
Genome position (GRCh38, 1-based): chr16:2,070,497, G>A. VCF-style: chr16-2070497-G-A. GRCh37 (hg19) VCF-style: chr16-2120498-G-A.
Other names: c.1758G>A, p.Val586= (NM_001077183.3, NM_001114382.3, NM_001363528.2 and 3 more transcripts); c.1647G>A, p.Val549= (NM_001318827.2); c.1611G>A, p.Val537= (NM_001318829.2); c.1158G>A, p.Val386= (NM_001318831.2); c.1791G>A, p.Val597= (NM_001318832.2).
Identifiers: ClinVar variation 486666 (VCV000486666.18), dbSNP rs1555505092, ClinGen allele CA492949729.

ClinVar aggregate classification (germline): Benign/Likely benign. Review status: criteria provided, multiple submitters, no conflicts (2 of 4 stars). 4 submissions from 4 submitters: Benign (1); Likely benign (3). Last evaluated 2025-02-13.

Conditions:
Hereditary cancer-predisposing syndrome. Also called: Tumor predisposition; Neoplastic Syndromes, Hereditary; Hereditary Cancer Syndrome; Hereditary neoplastic syndrome. Identifiers: Orphanet 140162, MedGen C0027672, MeSH D009386, MONDO:0015356.
Tuberous sclerosis syndrome (TSC). Also called: Tuberous Sclerosis Complex; Tuberous sclerosis. Identifiers: Orphanet 805, MedGen C0041341, MONDO:0001734.
Tuberous sclerosis 2 (TSC2). Identifiers: Orphanet 805, MedGen C1860707, MONDO:0013199, OMIM 613254.

Submissions (4):

Labcorp Genetics (formerly Invitae), Labcorp
Classification: Likely benign for Tuberous sclerosis 2. Last evaluated: 2025-02-13. Review status: criteria provided, single submitter. Criteria: Invitae Variant Classification Sherloc (09022015). Collection method: clinical testing. Allele origin: germline.

All of Us Research Program, National Institutes of Health
Classification: Likely benign for Tuberous sclerosis syndrome. Last evaluated: 2023-06-26. Review status: criteria provided, single submitter. Criteria: ACMG Guidelines, 2015. Collection method: clinical testing. Allele origin: germline. Inheritance: Autosomal dominant inheritance. Observed: 1 variant allele, 1 heterozygote.
Comment: This study involves interpretation of variants in research participants for the purpose of population health screening. Participant phenotype was not available at the time of variant classification. Additional details can be found in publication PMID: 35346344, PMCID: PMC8962531

Genome-Nilou Lab
Classification: Benign for Tuberous sclerosis 2. Last evaluated: 2021-11-07. Review status: criteria provided, single submitter. Criteria: ACMG Guidelines, 2015. Collection method: clinical testing. Allele origin: germline. Affected: no.

Ambry Genetics
Classification: Likely benign for Hereditary cancer-predisposing syndrome. Last evaluated: 2016-07-08. Review status: criteria provided, single submitter. Criteria: Ambry Variant Classification Scheme 2023. Collection method: clinical testing. Allele origin: germline.